The following is an entry in ClinVar:

NC_000007.13:g.(?_6061877)_(6098861_?)dup

Genes: AIMP2 (aminoacyl tRNA synthetase complex interacting multifunctional protein 2; plus strand), EIF2AK1 (eukaryotic translation initiation factor 2 alpha kinase 1; minus strand). Cytogenetic location: 7p22.1.
Variant type: Duplication.
Identifiers: ClinVar variation 1723275 (VCV001723275.1).

ClinVar aggregate classification (germline): Uncertain significance (1 of 4 stars; one submission).

Submission:

Women's Health and Genetics/Laboratory Corporation of America, LabCorp
Classification: Uncertain significance. Last evaluated: 2022-10-10. Review status: criteria provided, single submitter. Criteria: LabCorp Variant Classification Summary - May 2015. Collection method: clinical testing. Allele origin: germline.
Comment: Variant summary: The variant identified by MLPA or other technology involves the duplication of exons 1-15 (i.e. the entire coding sequence) of the EIF2AK1 gene. A presumed nomenclature of c.(?_-147)_(*2427_?)dup has been designated for the purposes of this classification. It has been assumed that this is a tandem duplication in direct orientation (Richardson_GIM_2018, Newman_AJHG_2015). The variant was absent in 21694 control chromosomes (gnomAD, Structural Variants dataset). The available data on variant occurrences in the general population are insufficient to allow any conclusion about variant significance. To our knowledge, no occurrence of c.(?_-147)_(*2427_?)dup in individuals affected with Leukoencephalopathy, Motor Delay, Spasticity, And Dysarthria Syndrome and no experimental evidence demonstrating its impact on protein function have been reported. No clinical diagnostic laboratories have submitted clinical-significance assessments for this variant to ClinVar after 2014. Based on the evidence outlined above, the variant was classified as uncertain significance.